The following is an entry in ClinVar:

ClinVar aggregate classification (germline): Benign/Likely benign. Review status: criteria provided, multiple submitters, no conflicts (2 of 4 stars). 14 submissions from 14 submitters: Benign (7); Likely benign (5). 2 of the submissions do not count toward it. Last evaluated 2026-04-01.

Conditions:
ADGRG1-related disorder. Also called: ADGRG1-related condition.
Bilateral frontoparietal polymicrogyria. Also called: CEREBELLAR ATAXIA WITH NEURONAL MIGRATION DEFECT; CORTICAL DYSPLASIA, COMPLEX, WITH OTHER BRAIN MALFORMATIONS 14A (BILATERAL FRONTOPARIETAL). Identifiers: Orphanet 101070, MedGen C1847352, MONDO:0011738, OMIM 606854.
Polymicrogyria, bilateral perisylvian, autosomal recessive (CDCBM14B). Also called: CORTICAL DYSPLASIA, COMPLEX, WITH OTHER BRAIN MALFORMATIONS 14B (BILATERAL PERISYLVIAN). Identifiers: MedGen C3810405, MONDO:0014333, OMIM 615752.

Allele frequency attached by ClinVar (database versions not stated): 1000 Genomes Project 30x 0.00094; 1000 Genomes Project 0.00120; TOPMed 0.00307; gnomAD exomes 0.00400; gnomAD 0.00404; ExAC 0.00426.
gnomAD v4.1: 7,036 of 1,613,802 alleles (0.44%); highest among the groups gnomAD compares: Non-Finnish European, 0.49%; 27 homozygotes.

Submissions (14):

CeGaT Center for Human Genetics Tuebingen
Classification: Likely benign. Last evaluated: 2026-04-01. Review status: criteria provided, single submitter. Criteria: CeGaT Center For Human Genetics Tuebingen Variant Classification Criteria Version 2. Collection method: clinical testing. Allele origin: germline. Affected: yes. Observed: 10 variant alleles.
Comment: ADGRG1: BP4, BS2

ARUP Laboratories, Molecular Genetics and Genomics, ARUP Laboratories
Classification: Likely benign. Last evaluated: 2024-11-22. Review status: criteria provided, single submitter. Criteria: ARUP Molecular Germline Variant Investigation Process 2024. Collection method: clinical testing. Allele origin: germline.

Blueprint Genetics
Classification: Likely benign. Last evaluated: 2024-11-21. Review status: criteria provided, single submitter. Criteria: ACMG Guidelines, 2015. Collection method: clinical testing. Allele origin: germline.

Mayo Clinic Laboratories, Mayo Clinic
Classification: Benign. Last evaluated: 2023-07-12. Review status: criteria provided, single submitter. Criteria: ACMG Guidelines, 2015. Collection method: clinical testing. Allele origin: germline. Observed: 3 variant alleles.
Comment: BS1, BS2, BP4

Fulgent Genetics
Classification: Benign for Bilateral frontoparietal polymicrogyria; Polymicrogyria, bilateral perisylvian, autosomal recessive. Last evaluated: 2022-02-18. Review status: criteria provided, single submitter. Criteria: ACMG Guidelines, 2015. Collection method: clinical testing. Allele origin: unknown.

Labcorp Genetics (formerly Invitae), Labcorp
Classification: Benign. Last evaluated: 2019-12-31. Review status: criteria provided, single submitter. Criteria: Invitae Variant Classification Sherloc (09022015). Collection method: clinical testing. Allele origin: germline.

Athena Diagnostics
Classification: Benign. Last evaluated: 2019-07-02. Review status: criteria provided, single submitter. Criteria: Athena Diagnostics Criteria. Collection method: clinical testing. Allele origin: germline.

Illumina Laboratory Services, Illumina
Classification: Likely benign for Bilateral frontoparietal polymicrogyria. Last evaluated: 2018-01-13. Review status: criteria provided, single submitter. Criteria: ICSL Variant Classification Criteria 13 December 2019. Collection method: clinical testing. Allele origin: germline.
Comment: This variant was observed in the ICSL laboratory as part of a predisposition screen in an ostensibly healthy population. It had not been previously curated by ICSL or reported in the Human Gene Mutation Database (HGMD: prior to June 1st, 2018), and was therefore a candidate for classification through an automated scoring system. Utilizing variant allele frequency, disease prevalence and penetrance estimates, and inheritance mode, an automated score was calculated to assess if this variant is too frequent to cause the disease. Based on the score and internal cut-off values, a variant classified as likely benign is not then subjected to further curation. The score for this variant resulted in a classification of likely benign for this disease.

GeneDx
Classification: Benign. Last evaluated: 2017-07-31. Review status: criteria provided, single submitter. Criteria: GeneDx Variant Classification (06012015). Collection method: clinical testing. Allele origin: germline. Affected: yes.
Comment: This variant is considered likely benign or benign based on one or more of the following criteria: it is a conservative change, it occurs at a poorly conserved position in the protein, it is predicted to be benign by multiple in silico algorithms, and/or has population frequency not consistent with disease.

Eurofins Ntd Llc (ga)
Classification: Benign. Last evaluated: 2016-04-01. Review status: criteria provided, single submitter. Criteria: EGL Classification Definitions 2015. Collection method: clinical testing. Allele origin: germline. Observed: 3 variant alleles, 3 heterozygotes.

Genetic Services Laboratory, University of Chicago
Classification: Benign. Last evaluated: 2015-10-28. Review status: criteria provided, single submitter. Criteria: ACMG Guidelines, 2015. Collection method: clinical testing. Allele origin: germline. Affected: no.

Breakthrough Genomics
Classification: Likely benign. Review status: criteria provided, single submitter. Criteria: ACMG Guidelines, 2015. Collection method: not provided. Allele origin: germline. Inheritance: Autosomal recessive inheritance. Affected: yes.

Natera, Inc.
Classification: Likely benign for Bilateral frontoparietal polymicrogyria. Last evaluated: 2021-01-12. Review status: no assertion criteria provided. Collection method: clinical testing. Allele origin: germline. Not counted in ClinVar's aggregate classification.

PreventionGenetics, part of Exact Sciences
Classification: Benign for ADGRG1-related condition. Last evaluated: 2019-03-15. Review status: no assertion criteria provided. Collection method: clinical testing. Allele origin: germline. Not counted in ClinVar's aggregate classification.
Comment: This variant is classified as benign based on ACMG/AMP sequence variant interpretation guidelines (Richards et al. 2015 PMID: 25741868, with internal and published modifications).

NM_201525.4(ADGRG1):c.844G>C (p.Gly282Arg)

Gene: ADGRG1 (adhesion G protein-coupled receptor G1; plus strand). Cytogenetic location: 16q21.
Variant type: single nucleotide variant.
Coding change: c.844G>C on transcript NM_201525.4 (MANE Select); coding-DNA position 844, G replaced by C.
Protein change: p.Gly282Arg; replaces glycine 282 with arginine.
Molecular consequence: missense variant.
Genome position (GRCh38, 1-based): chr16:57,655,474, G>C. VCF-style: chr16-57655474-G-C. GRCh37 (hg19) VCF-style: chr16-57689386-G-C.
Other names: p.Gly282Arg; c.844G>C, p.Gly282Arg (NM_001145770.3, NM_001145771.3, NM_001145772.3 and 16 more transcripts); c.859G>C, p.Gly287Arg (NM_001145773.3, NM_001370433.1); c.334G>C, p.Gly112Arg (NM_001290142.2); c.319G>C, p.Gly107Arg (NM_001290143.2, NM_001290144.2, NM_001370451.1 and 2 more transcripts); c.688G>C, p.Gly230Arg (NM_001370442.1); c.844G>C (NM_001145771.2); short protein forms G282R, G230R, G287R, G107R, G112R.
Identifiers: ClinVar variation 158638 (VCV000158638.51), dbSNP rs146704802, ClinGen allele CA247230.